The following is an entry in ClinVar:

ClinVar aggregate classification (germline): Likely pathogenic (1 of 4 stars; one submission).

Conditions:
Nemaline myopathy 2 (NEM2). Also called: Nemaline myopathy 2, autosomal recessive. Identifiers: MedGen C1850569, MONDO:0009725, OMIM 256030.

Submission:

Myriad Genetics, Inc.
Classification: Likely pathogenic for Nemaline myopathy 2. Last evaluated: 2022-02-17. Review status: criteria provided, single submitter. Criteria: Myriad Women's Health Autosomal Recessive and X-Linked Classification Criteria (2021). Collection method: clinical testing. Allele origin: unknown.
Comment: NM_001271208.1(NEB):c.25320_25321delTG(E8441Gfs*4) is expected to be pathogenic in the context of NEB-related nemaline myopathy. This variant is predicted to lead to an abnormal or absent protein product due to the creation of a premature termination codon in NEB, a gene where loss-of-function variants are known to be pathogenic. Please note: this variant was assessed in the context of healthy population screening.

NM_001164508.2(NEB):c.25215_25216del (p.Glu8406fs)

Genes: NEB (nebulin; minus strand), RIF1 (replication timing regulatory factor 1; plus strand). Cytogenetic location: 2q23.3.
Variant type: Deletion.
Coding change: c.25215_25216del on transcript NM_001164508.2 (MANE Select); coding-DNA positions 25215 to 25216, 2 bases deleted (TG; older notation c.25215_25216delTG).
Protein change: p.Glu8406fs; shifts the reading frame from glutamic acid 8406.
Molecular consequence: frameshift variant.
Genome position (GRCh38, 1-based): chr2:151,490,453-151,490,454, CA deleted on the plus strand (TG on the coding strand, the reverse complement: NEB is on the minus strand); deleting any 2 consecutive bases within chr2:151,490,453-151,490,455 gives the same sequence; the c. name uses the placement nearest the transcript's 3' end. VCF-style (leftmost placement, unchanged base first): chr2-151490452-TCA-T. GRCh37 (hg19) VCF-style: chr2-152346966-TCA-T.
Other names: c.25215_25216del, p.Glu8406fs (NM_001164507.2); c.25320_25321del, p.Glu8441fs (NM_001271208.2); c.19647_19648del, p.Glu6550fs (NM_004543.5); short protein forms E6550fs, E8406fs, E8441fs.
Identifiers: ClinVar variation 1724475 (VCV001724475.2), dbSNP rs2551669530, ClinGen allele CA2580063890.
Genomic context (GRCh38, chr2:151,490,452, plus strand): 5'-CCCCCGTCGCTGTAAGTCGAAAGGTGGTGGTCTGGTGCTTCTGAATGCTCAGACTTCTCC[TCA>T]CCCCCACTGATGCTTAGTGCACTGGCAGATCGTGACTGCTCCCGGCTCCGGCGCTGAGCT-3'